The following is an entry in ClinVar:

NM_001918.5(DBT):c.871C>T (p.Arg291Ter)

Gene: DBT (dihydrolipoamide branched chain transacylase E2; minus strand). Cytogenetic location: 1p21.2.
Variant type: single nucleotide variant.
Coding change: c.871C>T on transcript NM_001918.5 (MANE Select); coding-DNA position 871, C replaced by T.
Protein change: p.Arg291Ter; replaces arginine 291 with a stop codon.
Molecular consequence: nonsense.
Genome position (GRCh38, 1-based): chr1:100,214,885, G>A on the plus strand (C>T on the coding strand, the complement: DBT is on the minus strand). VCF-style: chr1-100214885-G-A. GRCh37 (hg19) VCF-style: chr1-100680441-G-A.
Other names: c.871C>T (NM_001918.2); short protein forms R291*.
Identifiers: ClinVar variation 94015 (VCV000094015.13), dbSNP rs398123675, ClinGen allele CA221903.

ClinVar aggregate classification (germline): Pathogenic. Review status: criteria provided, multiple submitters, no conflicts (2 of 4 stars). 4 submissions from 4 submitters: Pathogenic (4). Last evaluated 2024-03-08.

Conditions:
Maple syrup urine disease (MSUD). Identifiers: Orphanet 511, MedGen C0024776, MeSH D008375, MONDO:0009563. Disease mechanism: loss of function.

Allele frequency attached by ClinVar (database versions not stated): gnomAD 0.00001; gnomAD exomes 0.00001; TOPMed 0.00001.

Submissions (4):

GeneDx
Classification: Pathogenic. Last evaluated: 2024-03-08. Review status: criteria provided, single submitter. Criteria: GeneDx Variant Classification Process June 2021. Collection method: clinical testing. Allele origin: germline. Affected: yes.
Comment: Nonsense variant predicted to result in protein truncation or nonsense mediated decay in a gene for which loss of function is a known mechanism of disease; Not observed at significant frequency in large population cohorts (gnomAD); This variant is associated with the following publications: (PMID: 35314707, 31112740, 24304607)

Labcorp Genetics (formerly Invitae), Labcorp
Classification: Pathogenic for Maple syrup urine disease. Last evaluated: 2024-02-12. Review status: criteria provided, single submitter. Criteria: Invitae Variant Classification Sherloc (09022015). Collection method: clinical testing. Allele origin: germline.
Comment: This sequence change creates a premature translational stop signal (p.Arg291*) in the DBT gene. It is expected to result in an absent or disrupted protein product. Loss-of-function variants in DBT are known to be pathogenic (PMID: 16579849, 16786533). This variant is not present in population databases (gnomAD no frequency). This premature translational stop signal has been observed in individual(s) with clinical features of maple syrup urine disease (PMID: 24304607, 31112740). ClinVar contains an entry for this variant (Variation ID: 94015). For these reasons, this variant has been classified as Pathogenic.

Genome-Nilou Lab
Classification: Pathogenic for Maple syrup urine disease type 1A. Last evaluated: 2023-04-11. Review status: criteria provided, single submitter. Criteria: ACMG Guidelines, 2015. Collection method: clinical testing. Allele origin: germline. Affected: no.

Eurofins Ntd Llc (ga)
Classification: Pathogenic. Last evaluated: 2013-10-11. Review status: criteria provided, single submitter. Criteria: EGL Classification Definitions. Collection method: clinical testing. Allele origin: germline. Observed: 3 variant alleles, 3 heterozygotes.

Literature cited by the submitters: PubMed 16579849 (cited by Labcorp Genetics (formerly Invitae), Labcorp); PubMed 16786533 (cited by Labcorp Genetics (formerly Invitae), Labcorp); PubMed 24304607 (cited by Labcorp Genetics (formerly Invitae), Labcorp); PubMed 31112740 (cited by Labcorp Genetics (formerly Invitae), Labcorp).